The following is an entry in ClinVar:

ClinVar aggregate classification (germline): Uncertain significance (1 of 4 stars; one submission).

Conditions:
Autosomal dominant limb-girdle muscular dystrophy type 1F (LGMDD2). Also called: Limb-girdle muscular dystrophy, type 1F; MUSCULAR DYSTROPHY, LIMB-GIRDLE, AUTOSOMAL DOMINANT 2. Identifiers: Orphanet 55595, MedGen C1842062, MONDO:0012034, OMIM 608423.

Allele frequency attached by ClinVar (database versions not stated): TOPMed below 0.00001.
gnomAD v4.1: 6 of 1,614,054 alleles (0.00037%); highest among the groups gnomAD compares: Admixed American, 0.0017%; no homozygotes.

Submission:

Labcorp Genetics (formerly Invitae), Labcorp
Classification: Uncertain significance for Autosomal dominant limb-girdle muscular dystrophy type 1F. Last evaluated: 2022-03-31. Review status: criteria provided, single submitter. Criteria: Invitae Variant Classification Sherloc (09022015). Collection method: clinical testing. Allele origin: germline.
Comment: This sequence change replaces proline, which is neutral and non-polar, with histidine, which is basic and polar, at codon 847 of the TNPO3 protein (p.Pro847His). This variant is present in population databases (no rsID available, gnomAD 0.007%). This variant has not been reported in the literature in individuals affected with TNPO3-related conditions. Algorithms developed to predict the effect of missense changes on protein structure and function (SIFT, PolyPhen-2, Align-GVGD) all suggest that this variant is likely to be tolerated. In summary, the available evidence is currently insufficient to determine the role of this variant in disease. Therefore, it has been classified as a Variant of Uncertain Significance.

NM_012470.4(TNPO3):c.2540C>A (p.Pro847His)

Gene: TNPO3 (transportin 3; minus strand). Cytogenetic location: 7q32.1.
Variant type: single nucleotide variant.
Coding change: c.2540C>A on transcript NM_012470.4 (MANE Select); coding-DNA position 2540, C replaced by A.
Protein change: p.Pro847His; replaces proline 847 with histidine.
Molecular consequence: missense variant. On other transcripts: non-coding transcript variant (18).
Genome position (GRCh38, 1-based): chr7:128,970,206, G>T on the plus strand (C>A on the coding strand, the complement: TNPO3 is on the minus strand). VCF-style: chr7-128970206-G-T. GRCh37 (hg19) VCF-style: chr7-128610260-G-T.
Other names: c.2348C>A, p.Pro783His (NM_001191028.3, NM_001382223.1); c.2642C>A, p.Pro881His (NM_001382216.1); c.2621C>A, p.Pro874His (NM_001382217.1); c.2540C>A, p.Pro847His (NM_001382218.1); c.2432C>A, p.Pro811His (NM_001382219.1); c.2399C>A, p.Pro800His (NM_001382220.1); c.2396C>A, p.Pro799His (NM_001382221.1); c.2393C>A, p.Pro798His (NM_001382222.1); short protein forms P800H, P783H, P798H, P811H, P847H, P874H, P799H, P881H.
Identifiers: ClinVar variation 2200062 (VCV002200062.4), dbSNP rs1193471279, ClinGen allele CA369251969.